The following is an entry in ClinVar:

NM_016252.4(BIRC6):c.12876G>A (p.Gly4292=)

Gene: BIRC6 (baculoviral IAP repeat containing 6; plus strand). Cytogenetic location: 2p22.3.
Variant type: single nucleotide variant.
Coding change: c.12876G>A on transcript NM_016252.4 (MANE Select); coding-DNA position 12876, G replaced by A.
Protein change: p.Gly4292=; no amino-acid change (glycine 4292 retained).
Molecular consequence: synonymous variant.
Genome position (GRCh38, 1-based): chr2:32,547,915, G>A. VCF-style: chr2-32547915-G-A. GRCh37 (hg19) VCF-style: chr2-32772982-G-A.
Other names: c.12873G>A, p.Gly4291= (NM_001378125.1).
Identifiers: ClinVar variation 719627 (VCV000719627.6), dbSNP rs138854140, ClinGen allele CA1605389.
Genomic context (GRCh38, chr2:32,547,915, plus strand): 5'-GGTGTCAAGCTCTCATAACCCTACATCAACAGAAGAACAACAGTTATATTGGGCCAAAGG[G>A]ACTGGCTTTGGAACAGGCTCTACAGCTTCTGGGTGGGATGTGGAACAAGCCTTAACTAAG-3'
Protein context (NP_057336.3, residues 4282-4302): TEEQQLYWAK[Gly4292=]TGFGTGSTAS

ClinVar aggregate classification (germline): Benign. Review status: criteria provided, multiple submitters, no conflicts (2 of 4 stars). 3 submissions from 3 submitters: Benign (2). 1 of the submissions does not count toward it. Last evaluated 2018-04-05.

Conditions:
BIRC6-related disorder. Also called: BIRC6-related condition.

Allele frequency attached by ClinVar (database versions not stated): gnomAD exomes 0.00053 and 0.00146; ExAC 0.00174; 1000 Genomes Project 0.00479; 1000 Genomes Project 30x 0.00515; gnomAD 0.00546 and 0.00591; ESP Exome Variant Server 0.00592; TOPMed 0.00629.
gnomAD v4.1: 1,659 of 1,613,516 alleles (0.1%); highest among the groups gnomAD compares: African/African-American, 1.9%; 16 homozygotes.

Submissions (3):

Labcorp Genetics (formerly Invitae), Labcorp
Classification: Benign. Last evaluated: 2018-04-05. Review status: criteria provided, single submitter. Criteria: Invitae Variant Classification Sherloc (09022015). Collection method: clinical testing. Allele origin: germline.

Breakthrough Genomics
Classification: Benign. Review status: criteria provided, single submitter. Criteria: ACMG Guidelines, 2015. Collection method: not provided. Allele origin: germline. Inheritance: Unknown mechanism. Affected: yes.

PreventionGenetics, part of Exact Sciences
Classification: Benign for BIRC6-related condition. Last evaluated: 2019-06-06. Review status: no assertion criteria provided. Collection method: clinical testing. Allele origin: germline. Not counted in ClinVar's aggregate classification.
Comment: This variant is classified as benign based on ACMG/AMP sequence variant interpretation guidelines (Richards et al. 2015 PMID: 25741868, with internal and published modifications).